The following is an entry in ClinVar:

ClinVar aggregate classification (germline): Conflicting classifications of pathogenicity. Review status: criteria provided, conflicting classifications (1 of 4 stars). 5 submissions from 5 submitters: Uncertain significance (4); Likely benign (1). Last evaluated 2026-01-20.

Conditions:
Hereditary cancer-predisposing syndrome. Also called: Hereditary neoplastic syndrome; Neoplastic Syndromes, Hereditary; Tumor predisposition; Hereditary Cancer Syndrome. Identifiers: Orphanet 140162, MedGen C0027672, MeSH D009386, MONDO:0015356.
Hereditary breast ovarian cancer syndrome. Also called: Hereditary breast and ovarian cancer syndrome (HBOC); Breast and ovarian cancer; Hereditary breast and ovarian cancer syndrome; Hereditary breast and ovarian cancer; Hereditary breast and/or ovarian cancer syndrome; BRCA1- and BRCA2-Associated Hereditary Breast and Ovarian Cancer. Identifiers: Orphanet 145, MedGen C0677776, MeSH D061325, MONDO:0003582. Disease mechanism: loss of function.
Breast-ovarian cancer, familial, susceptibility to, 2 (BROVCA2). Also called: BRCA2 Hereditary Breast and Ovarian Cancer. Identifiers: Orphanet 145, MedGen C2675520, MONDO:0012933, OMIM 612555. Disease mechanism: loss of function.

Allele frequency attached by ClinVar (database versions not stated): gnomAD exomes below 0.00001; ExAC 0.00001.
gnomAD v4.1: 2 of 1,610,694 alleles (0.00012%); highest among the groups gnomAD compares: East Asian, 0.0022%; no homozygotes.

Submissions (5):

Labcorp Genetics (formerly Invitae), Labcorp
Classification: Uncertain significance for Hereditary breast ovarian cancer syndrome. Last evaluated: 2026-01-20. Review status: criteria provided, single submitter. Criteria: Invitae Variant Classification Sherloc (09022015). Collection method: clinical testing. Allele origin: germline.
Comment: This sequence change replaces methionine, which is neutral and non-polar, with threonine, which is neutral and polar, at codon 840 of the BRCA2 protein (p.Met840Thr). This variant is present in population databases (rs758009637, gnomAD 0.006%). This variant has not been reported in the literature in individuals affected with BRCA2-related conditions. ClinVar contains an entry for this variant (Variation ID: 481507). Invitae Evidence Modeling of protein sequence and biophysical properties (such as structural, functional, and spatial information, amino acid conservation, physicochemical variation, residue mobility, and thermodynamic stability) indicates that this missense variant is not expected to disrupt BRCA2 protein function with a negative predictive value of 95%. In summary, the available evidence is currently insufficient to determine the role of this variant in disease. Therefore, it has been classified as a Variant of Uncertain Significance.

Ambry Genetics
Classification: Uncertain significance for Hereditary cancer-predisposing syndrome. Last evaluated: 2023-11-10. Review status: criteria provided, single submitter. Criteria: Ambry Variant Classification Scheme 2023. Collection method: clinical testing. Allele origin: germline.
Comment: The p.M840T variant (also known as c.2519T>C), located in coding exon 10 of the BRCA2 gene, results from a T to C substitution at nucleotide position 2519. The methionine at codon 840 is replaced by threonine, an amino acid with similar properties. This amino acid position is poorly conserved in available vertebrate species. In addition, this alteration is predicted to be tolerated by in silico analysis. Since supporting evidence is limited at this time, the clinical significance of this alteration remains unclear.

University of Washington Department of Laboratory Medicine, University of Washington
Classification: Likely benign for Hereditary cancer-predisposing syndrome. Last evaluated: 2023-03-23. Review status: criteria provided, single submitter. Criteria: Dines et al. (Genet Med. 2020). Collection method: curation. Allele origin: germline.
Comment: Missense variant in a coldspot region where missense variants are very unlikely to be pathogenic (PMID:31911673).

BRCA2 exon 11 coldspot. Reclassification based on statistical prior probability.

All of Us Research Program, National Institutes of Health
Classification: Uncertain significance for Breast-ovarian cancer, familial, susceptibility to, 2. Last evaluated: 2023-02-24. Review status: criteria provided, single submitter. Criteria: ACMG Guidelines, 2015. Collection method: clinical testing. Allele origin: germline. Inheritance: Autosomal dominant inheritance. Observed: 1 variant allele, 1 heterozygote.
Comment: This missense variant replaces methionine with threonine at codon 840 of the BRCA2 protein. Computational prediction suggests that this variant may not impact protein structure and function (internally defined REVEL score threshold <= 0.5, PMID: 27666373). To our knowledge, functional studies have not been reported for this variant. This variant has been reported in two individuals affected with breast cancer (PMID: 33471991; Leiden Open Variation Database DB-ID BRCA2_007956). This variant has been identified in 1/247938 chromosomes in the general population by the Genome Aggregation Database (gnomAD). The available evidence is insufficient to determine the role of this variant in disease conclusively. Therefore, this variant is classified as a Variant of Uncertain Significance.

This study involves interpretation of variants in research participants for the purpose of population health screening. Participant phenotype was not available at the time of variant classification. Additional details can be found in publication PMID: 35346344, PMCID: PMC8962531

Color Diagnostics, LLC DBA Color Health
Classification: Uncertain significance for Hereditary cancer-predisposing syndrome. Last evaluated: 2022-11-09. Review status: criteria provided, single submitter. Criteria: ACMG Guidelines, 2015. Collection method: clinical testing. Allele origin: germline.
Comment: This missense variant replaces methionine with threonine at codon 840 of the BRCA2 protein. Computational prediction suggests that this variant may not impact protein structure and function (internally defined REVEL score threshold <= 0.5, PMID: 27666373). To our knowledge, functional studies have not been reported for this variant. This variant has been reported in two individuals affected with breast cancer (PMID: 33471991; Leiden Open Variation Database DB-ID BRCA2_007956). This variant has been identified in 1/247938 chromosomes in the general population by the Genome Aggregation Database (gnomAD). The available evidence is insufficient to determine the role of this variant in disease conclusively. Therefore, this variant is classified as a Variant of Uncertain Significance.

Literature cited by the submitters: PubMed 33471991 (cited by All of Us Research Program, National Institutes of Health and Color Diagnostics, LLC DBA Color Health).

NM_000059.4(BRCA2):c.2519T>C (p.Met840Thr)

Gene: BRCA2 (BRCA2 DNA repair associated; plus strand). Cytogenetic location: 13q13.1.
Variant type: single nucleotide variant.
Coding change: c.2519T>C on transcript NM_000059.4 (MANE Select); coding-DNA position 2519, T replaced by C.
Protein change: p.Met840Thr; replaces methionine 840 with threonine.
Molecular consequence: missense variant.
Genome position (GRCh38, 1-based): chr13:32,336,874, T>C. VCF-style: chr13-32336874-T-C. GRCh37 (hg19) VCF-style: chr13-32911011-T-C.
Other names: short protein forms M840T.
Identifiers: ClinVar variation 481507 (VCV000481507.14), dbSNP rs758009637, ClinGen allele CA6940610.